The following is an entry in ClinVar:

ClinVar aggregate classification (germline): Uncertain significance (1 of 4 stars; one submission).

Submission:

Women's Health and Genetics/Laboratory Corporation of America, LabCorp
Classification: Uncertain significance. Last evaluated: 2025-05-28. Review status: criteria provided, single submitter. Criteria: LabCorp Variant Classification Summary - May 2015. Collection method: clinical testing. Allele origin: germline.
Comment: Variant summary: SAMD9 c.825_827delTCA (p.His275del) results in an in-frame deletion that is predicted to remove one amino acids from the encoded protein. The variant allele was found at a frequency of 4e-06 in 251210 control chromosomes. The available data on variant occurrences in the general population are insufficient to allow any conclusion about variant significance. To our knowledge, no occurrence of c.825_827delTCA in individuals affected with MIRAGE Syndrome and no experimental evidence demonstrating its impact on protein function have been reported. No submitters have cited clinical-significance assessments for this variant to ClinVar. Based on the evidence outlined above, the variant was classified as uncertain significance.

NM_017654.4(SAMD9):c.825_827del (p.His275del)

Gene: SAMD9 (sterile alpha motif domain containing 9; minus strand). Cytogenetic location: 7q21.2.
Variant type: Deletion.
Coding change: c.825_827del on transcript NM_017654.4 (MANE Select); coding-DNA positions 825 to 827, 3 bases deleted (TCA; older notation c.825_827delTCA).
Protein change: p.His275del; deletes histidine 275.
Molecular consequence: inframe deletion.
Genome position (GRCh38, 1-based): chr7:93,105,271-93,105,273, TGA deleted on the plus strand (TCA on the coding strand, the reverse complement: SAMD9 is on the minus strand); deleting any 3 consecutive bases within chr7:93,105,271-93,105,275 gives the same sequence; the c. name uses the placement nearest the transcript's 3' end. VCF-style (leftmost placement, unchanged base first): chr7-93105270-TTGA-T. GRCh37 (hg19) VCF-style: chr7-92734583-TTGA-T.
Other names: c.825_827del, p.His275del (NM_001193307.2); c.825_827delTCA (NM_017654.4); short protein forms H275del.
Identifiers: ClinVar variation 3902564 (VCV003902564.1).